The following is an entry in ClinVar:

ClinVar aggregate classification (germline): Conflicting classifications of pathogenicity. Review status: criteria provided, conflicting classifications (1 of 4 stars). 7 submissions from 7 submitters: Likely pathogenic (1); Uncertain significance (5). 1 of the submissions does not count toward it. Last evaluated 2026-03-09.

Conditions:
CAPN3-related disorder. Also called: CAPN3-related disorders; CAPN3-related condition. Identifiers: MedGen CN239245.
Autosomal recessive limb-girdle muscular dystrophy type 2A (LGMDR1). Also called: LEYDEN-MOEBIUS MUSCULAR DYSTROPHY; Limb-girdle muscular dystrophy, type 2A; MUSCULAR DYSTROPHY, PELVOFEMORAL; Calpainopathy; Muscular dystrophy, limb-girdle, type 2A, Amish. Identifiers: Orphanet 267, MedGen C1869123, MONDO:0009675, OMIM 253600. Disease mechanism: loss of function.

Allele frequency attached by ClinVar (database versions not stated): TOPMed 0.00006; ExAC 0.00007; ESP Exome Variant Server 0.00008; gnomAD exomes 0.00008; gnomAD 0.00013.

Submissions (7):

Myriad Genetics, Inc.
Classification: Uncertain significance for Autosomal recessive limb-girdle muscular dystrophy type 2A. Last evaluated: 2026-03-09. Review status: criteria provided, single submitter. Criteria: Myriad Autosomal Dominant, Autosomal Recessive and X-Linked Classification Criteria (2023). Collection method: clinical testing. Allele origin: unknown.
Comment: NM_000070.2(CAPN3):c.1774C>T(R592W) is a missense variant classified as a variant of uncertain significance in the context of calpainopathy. R592W has been observed in cases with relevant disease (PMID: 33337384, 30564623, 37526466). Relevant functional assessments of this variant are not available in the literature. R592W has been observed in referenced population frequency databases. In summary, there is insufficient evidence to classify NM_000070.2(CAPN3):c.1774C>T(R592W) as pathogenic or benign. Please note: this variant was assessed in the context of healthy population screening.

GeneDx
Classification: Uncertain significance. Last evaluated: 2025-02-16. Review status: criteria provided, single submitter. Criteria: GeneDx Variant Classification Process June 2021. Collection method: clinical testing. Allele origin: germline. Affected: yes.
Comment: In silico analysis indicates that this missense variant does not alter protein structure/function; This variant is associated with the following publications: (PMID: 30564623, 33337384, 37526466)

Labcorp Genetics (formerly Invitae), Labcorp
Classification: Uncertain significance for Autosomal recessive limb-girdle muscular dystrophy type 2A. Last evaluated: 2024-12-04. Review status: criteria provided, single submitter. Criteria: Invitae Variant Classification Sherloc (09022015). Collection method: clinical testing. Allele origin: germline.
Comment: This sequence change replaces arginine, which is basic and polar, with tryptophan, which is neutral and slightly polar, at codon 592 of the CAPN3 protein (p.Arg592Trp). This variant is present in population databases (rs373512834, gnomAD 0.02%). This missense change has been observed in individual(s) with autosomal recessive limb-girdle muscular dystrophy (PMID: 33337384). ClinVar contains an entry for this variant (Variation ID: 502158). Invitae Evidence Modeling of protein sequence and biophysical properties (such as structural, functional, and spatial information, amino acid conservation, physicochemical variation, residue mobility, and thermodynamic stability) indicates that this missense variant is expected to disrupt CAPN3 protein function with a positive predictive value of 80%. In summary, the available evidence is currently insufficient to determine the role of this variant in disease. Therefore, it has been classified as a Variant of Uncertain Significance.

Blueprint Genetics
Classification: Likely pathogenic for CAPN3-related disorders. Last evaluated: 2024-05-22. Review status: criteria provided, single submitter. Criteria: ACMG Guidelines, 2015. Collection method: clinical testing. Allele origin: germline. Affected: yes. Observed: 5 variant alleles.

Eurofins Ntd Llc (ga)
Classification: Uncertain significance. Last evaluated: 2017-05-23. Review status: criteria provided, single submitter. Criteria: EGL Classification Definitions 2015. Collection method: clinical testing. Allele origin: germline. Observed: 2 variant alleles, 2 heterozygotes.

Illumina Laboratory Services, Illumina
Classification: Uncertain significance for Limb-girdle muscular dystrophy, type 2A. Last evaluated: 2017-04-28. Review status: criteria provided, single submitter. Criteria: ICSL Variant Classification Criteria 13 December 2019. Collection method: clinical testing. Allele origin: germline.

Natera, Inc.
Classification: Uncertain significance for Limb-girdle muscular dystrophy type 2A. Last evaluated: 2019-10-28. Review status: no assertion criteria provided. Collection method: clinical testing. Allele origin: germline. Not counted in ClinVar's aggregate classification.

Literature cited by the submitters: PubMed 30564623 (cited by Myriad Genetics, Inc.); PubMed 33337384 (cited by Myriad Genetics, Inc. and Labcorp Genetics (formerly Invitae), Labcorp); PubMed 37526466 (cited by Myriad Genetics, Inc.).

NM_000070.3(CAPN3):c.1774C>T (p.Arg592Trp)

Gene: CAPN3 (calpain 3; plus strand). Cytogenetic location: 15q15.1.
Variant type: single nucleotide variant.
Coding change: c.1774C>T on transcript NM_000070.3 (MANE Select); coding-DNA position 1774, C replaced by T.
Protein change: p.Arg592Trp; replaces arginine 592 with tryptophan.
Molecular consequence: missense variant.
Genome position (GRCh38, 1-based): chr15:42,403,769, C>T. VCF-style: chr15-42403769-C-T. GRCh37 (hg19) VCF-style: chr15-42695967-C-T.
Other names: c.1774C>T, p.Arg592Trp (NM_024344.2); c.1630C>T, p.Arg544Trp (NM_173087.2); c.238C>T, p.Arg80Trp (NM_173088.2); short protein forms R592W, R544W, R80W.
Identifiers: ClinVar variation 502158 (VCV000502158.17), dbSNP rs373512834, ClinGen allele CA7511499.